The following is an entry in ClinVar:

ClinVar aggregate classification (germline): Uncertain significance (1 of 4 stars; one submission).

Submission:

Labcorp Genetics (formerly Invitae), Labcorp
Classification: Uncertain significance. Last evaluated: 2025-05-06. Review status: criteria provided, single submitter. Criteria: Invitae Variant Classification Sherloc (09022015). Collection method: clinical testing. Allele origin: germline.
Comment: This sequence change replaces methionine, which is neutral and non-polar, with lysine, which is basic and polar, at codon 859 of the ARHGEF10 protein (p.Met859Lys). This variant is not present in population databases (gnomAD no frequency). This variant has not been reported in the literature in individuals affected with ARHGEF10-related conditions. Invitae Evidence Modeling of protein sequence and biophysical properties (such as structural, functional, and spatial information, amino acid conservation, physicochemical variation, residue mobility, and thermodynamic stability) indicates that this missense variant is not expected to disrupt ARHGEF10 protein function with a negative predictive value of 80%. In summary, the available evidence is currently insufficient to determine the role of this variant in disease. Therefore, it has been classified as a Variant of Uncertain Significance.

NM_014629.4(ARHGEF10):c.2576T>A (p.Met859Lys)

Gene: ARHGEF10 (Rho guanine nucleotide exchange factor 10; plus strand). Cytogenetic location: 8p23.3.
Variant type: single nucleotide variant.
Coding change: c.2576T>A on transcript NM_014629.4 (MANE Select); coding-DNA position 2576, T replaced by A.
Protein change: p.Met859Lys; replaces methionine 859 with lysine.
Molecular consequence: missense variant.
Genome position (GRCh38, 1-based): chr8:1,925,370, T>A. VCF-style: chr8-1925370-T-A. GRCh37 (hg19) VCF-style: chr8-1873536-T-A.
Other names: c.2462T>A, p.Met821Lys (NM_001308152.2, NM_001438094.1); c.2576T>A, p.Met859Lys (NM_001308153.3); c.2579T>A, p.Met860Lys (NM_001438091.1); c.2459T>A, p.Met820Lys (NM_001438092.1, NM_001438093.1); short protein forms M860K, M821K, M883K, M820K, M859K.
Identifiers: ClinVar variation 4762579 (VCV004762579.1).